The following is an entry in ClinVar:

NM_015450.3(POT1):c.10-441C>T

Gene: POT1 (protection of telomeres 1; minus strand). Cytogenetic location: 7q31.33.
Variant type: single nucleotide variant.
Coding change: c.10-441C>T on transcript NM_015450.3 (MANE Select); 441 bases into the intron before coding-DNA position 10, C replaced by T.
Molecular consequence: intron variant.
Genome position (GRCh38, 1-based): chr7:124,892,821, G>A on the plus strand (C>T on the coding strand, the complement: POT1 is on the minus strand). VCF-style: chr7-124892821-G-A. GRCh37 (hg19) VCF-style: chr7-124532875-G-A.
Other names: c.-253-441C>T (NM_001042594.2).
Identifiers: ClinVar variation 4826611 (VCV004826611.1).
Genomic context (GRCh38, chr7:124,892,821, plus strand): 5'-TTTTTGACTTATGATGGGTACACTGGATGTAACTTCATTGTAAATCAAGGAGCATCTGTA[G>A]TGAAAAACAGCAATACATGTCAAAACTGAAGCAATAACACAAAACAAGAAAATACTTTTT-3'

ClinVar aggregate classification (germline): Uncertain significance (1 of 4 stars; one submission).

Conditions:
Hereditary cancer-predisposing syndrome. Also called: Neoplastic Syndromes, Hereditary; Tumor predisposition; Hereditary Cancer Syndrome; Hereditary neoplastic syndrome. Identifiers: Orphanet 140162, MedGen C0027672, MeSH D009386, MONDO:0015356.

Submission:

Ambry Genetics
Classification: Uncertain significance for Hereditary cancer-predisposing syndrome. Last evaluated: 2026-03-06. Review status: criteria provided, single submitter. Criteria: Ambry Variant Classification Scheme 2023. Collection method: clinical testing. Allele origin: germline.
Comment: The c.10-441C>T intronic variant results from a C to T substitution 441 nucleotides upstream from coding exon 2 in the POT1 gene. This nucleotide position is conserved on limited sequence alignment. In silico splice site analysis predicts that this alteration may result in the creation or strengthening of a novel splice acceptor site. RNA studies have demonstrated that this variant results in a splice defect; the clinical impact of this abnormal splicing is unknown at this time (Ambry internal data). Based on the available evidence, the clinical significance of this variant remains unclear.